The following is an entry in ClinVar:

ClinVar aggregate classification (germline): Likely benign (0 of 4 stars; one submission).

Conditions:
COPA-related disorder. Also called: COPA-related condition.

Allele frequency attached by ClinVar (database versions not stated): TOPMed below 0.00001; ExAC 0.00002; gnomAD exomes 0.00002.
gnomAD v4.1: 31 of 1,598,210 alleles (0.0019%); highest among the groups gnomAD compares: Non-Finnish European, 0.0026%; no homozygotes.

Submission:

PreventionGenetics, part of Exact Sciences
Classification: Likely benign for COPA-related condition. Last evaluated: 2019-06-25. Review status: no assertion criteria provided. Collection method: clinical testing. Allele origin: germline.
Comment: This variant is classified as likely benign based on ACMG/AMP sequence variant interpretation guidelines (Richards et al. 2015 PMID: 25741868, with internal and published modifications).

NM_004371.4(COPA):c.1137T>C (p.Leu379=)

Gene: COPA (COPI coat complex subunit alpha; minus strand). Cytogenetic location: 1q23.2.
Variant type: single nucleotide variant.
Coding change: c.1137T>C on transcript NM_004371.4 (MANE Select); coding-DNA position 1137, T replaced by C.
Protein change: p.Leu379=; no amino-acid change (leucine 379 retained).
Molecular consequence: synonymous variant.
Genome position (GRCh38, 1-based): chr1:160,310,198, A>G on the plus strand (T>C on the coding strand, the complement: COPA is on the minus strand). VCF-style: chr1-160310198-A-G. GRCh37 (hg19) VCF-style: chr1-160279988-A-G.
Other names: c.1137T>C, p.Leu379= (NM_001098398.2).
Identifiers: ClinVar variation 3043049 (VCV003043049.2), dbSNP rs772935346, ClinGen allele CA1198196.